The following is an entry in ClinVar:

NM_024301.5(FKRP):c.1013T>G (p.Val338Gly)

Gene: FKRP (fukutin related protein; plus strand). Cytogenetic location: 19q13.32.
Variant type: single nucleotide variant.
Coding change: c.1013T>G on transcript NM_024301.5 (MANE Select); coding-DNA position 1013, T replaced by G.
Protein change: p.Val338Gly; replaces valine 338 with glycine.
Molecular consequence: missense variant.
Genome position (GRCh38, 1-based): chr19:46,756,463, T>G. VCF-style: chr19-46756463-T-G. GRCh37 (hg19) VCF-style: chr19-47259720-T-G.
Other names: c.1013T>G, p.Val338Gly (NM_001039885.3); short protein forms V338G.
Identifiers: ClinVar variation 4688534 (VCV004688534.1).

ClinVar aggregate classification (germline): Uncertain significance (1 of 4 stars; one submission).

Submission:

Women's Health and Genetics/Laboratory Corporation of America, LabCorp
Classification: Uncertain significance. Last evaluated: 2025-12-30. Review status: criteria provided, single submitter. Criteria: LabCorp Variant Classification Summary - May 2015. Collection method: clinical testing. Allele origin: germline.
Comment: Variant summary: FKRP c.1013T>G (p.Val338Gly) results in a non-conservative amino acid change in the encoded protein sequence. Algorithms developed to predict the effect of missense changes on protein structure and function all suggest that this variant is likely to be disruptive. The variant was absent in 192686 control chromosomes. The available data on variant occurrences in the general population are insufficient to allow any conclusion about variant significance. To our knowledge, no occurrence of c.1013T>G in individuals affected with FKRP-related conditions and no experimental evidence demonstrating its impact on protein function have been reported. No submitters have cited clinical-significance assessments for this variant to ClinVar. Based on the evidence outlined above, the variant was classified as uncertain significance.